The following is an entry in ClinVar:

ClinVar aggregate classification (germline): Likely pathogenic. Review status: criteria provided, multiple submitters, no conflicts (2 of 4 stars). 2 submissions from 2 submitters: Likely pathogenic (2). Last evaluated 2024-10-23.

Submissions (2):

Athena Diagnostics
Classification: Likely pathogenic. Last evaluated: 2024-10-23. Review status: criteria provided, single submitter. Criteria: Athena Diagnostics Criteria. Collection method: clinical testing. Allele origin: unknown.
Comment: This variant is expected to result in the loss of a functional protein. This variant has not been reported in large, multi-ethnic general populations. Computational tools yielded predictions that this variant is unlikely to have an effect on normal RNA splicing.

Revvity Omics, Revvity
Classification: Likely pathogenic. Last evaluated: 2023-06-15. Review status: criteria provided, single submitter. Criteria: ACMG Guidelines, 2015. Collection method: clinical testing. Allele origin: germline.

NM_004006.3(DMD):c.5527_5528del (p.Lys1843fs)

Gene: DMD (dystrophin; minus strand). Cytogenetic location: Xp21.1.
Variant type: Deletion.
Coding change: c.5527_5528del on transcript NM_004006.3 (MANE Select); coding-DNA positions 5527 to 5528, 2 bases deleted (AA; older notation c.5527_5528delAA).
Protein change: p.Lys1843fs; shifts the reading frame from lysine 1843.
Molecular consequence: frameshift variant.
Genome position (GRCh38, 1-based): chrX:32,346,001-32,346,002, TT deleted on the plus strand (AA on the coding strand, the reverse complement: DMD is on the minus strand); deleting any 2 consecutive bases within chrX:32,346,001-32,346,003 gives the same sequence; the c. name uses the placement nearest the transcript's 3' end. VCF-style (leftmost placement, unchanged base first): chrX-32346000-CTT-C. GRCh37 (hg19) VCF-style: chrX-32364117-CTT-C.
Other names: c.5503_5504del, p.Lys1835fs (NM_000109.4); c.5526_5527delAA, p.Lys1843Alafs (NM_004006.2); c.5515_5516del, p.Lys1839fs (NM_004009.3); c.5158_5159del, p.Lys1720fs (NM_004010.3); c.1504_1505del, p.Lys502fs (NM_004011.4); c.1495_1496del, p.Lys499fs (NM_004012.4); short protein forms K1720fs, K1835fs, K1839fs, K1843fs, K499fs, K502fs.
Identifiers: ClinVar variation 2690589 (VCV002690589.3), dbSNP rs2521963003, ClinGen allele CA2697552959.